The following is an entry in ClinVar:

NM_080424.4(SP110):c.1480G>A (p.Gly494Arg)

Gene: SP110 (SP110 nuclear body protein; minus strand). Cytogenetic location: 2q37.1.
Variant type: single nucleotide variant.
Coding change: c.1480G>A on transcript NM_080424.4 (MANE Select); coding-DNA position 1480, G replaced by A.
Protein change: p.Gly494Arg; replaces glycine 494 with arginine.
Molecular consequence: missense variant.
Genome position (GRCh38, 1-based): chr2:230,177,648, C>T on the plus strand (G>A on the coding strand, the complement: SP110 is on the minus strand). VCF-style: chr2-230177648-C-T. GRCh37 (hg19) VCF-style: chr2-231042364-C-T.
Other names: c.1498G>A, p.Gly500Arg (NM_001185015.2, NM_001378442.1, NM_001378444.1 and 2 more transcripts); c.1480G>A, p.Gly494Arg (NM_001378443.1, NM_004509.5, NM_004510.4); c.1330G>A, p.Gly444Arg (NM_001378447.1); short protein forms G500R, G444R, G494R.
Identifiers: ClinVar variation 1491431 (VCV001491431.7), dbSNP rs777078204, ClinGen allele CA2154481.
Genomic context (GRCh38, chr2:230,177,648, plus strand): 5'-AGTTCTTTGCGTTCCTTCCTTTTCCTTCGACTTCAAATTCATTTGGTGTTAACCAAGTTC[C>T]ATCCTCATTCCGAATGCACTTCACTGAGGATCCTGTAAGAAAAAGCCCATTCTTGGATCT-3'
Protein context (NP_536349.3, residues 484-504): SSVKCIRNED[Gly494Arg]TWLTPNEFEV

ClinVar aggregate classification (germline): Uncertain significance (1 of 4 stars; one submission).

Conditions:
Hepatic veno-occlusive disease-immunodeficiency syndrome. Also called: Hepatic Veno-Occlusive Disease with Immunodeficiency. Identifiers: Orphanet 79124, MedGen C1856128, MONDO:0009338, OMIM 235550. Disease mechanism: loss of function.

Allele frequency attached by ClinVar (database versions not stated): gnomAD exomes below 0.00001 and 0.00001; ExAC 0.00002; TOPMed 0.00002; gnomAD 0.00003 and 0.00004.
gnomAD v4.1: 7 of 1,614,018 alleles (0.00043%); highest among the groups gnomAD compares: African/African-American, 0.0093%; no homozygotes.

Submission:

Labcorp Genetics (formerly Invitae), Labcorp
Classification: Uncertain significance for Hepatic veno-occlusive disease-immunodeficiency syndrome. Last evaluated: 2022-11-08. Review status: criteria provided, single submitter. Criteria: Invitae Variant Classification Sherloc (09022015). Collection method: clinical testing. Allele origin: germline.
Comment: This variant has not been reported in the literature in individuals affected with SP110-related conditions. This sequence change replaces glycine, which is neutral and non-polar, with arginine, which is basic and polar, at codon 494 of the SP110 protein (p.Gly494Arg). This variant is present in population databases (rs777078204, gnomAD 0.01%). ClinVar contains an entry for this variant (Variation ID: 1491431). Algorithms developed to predict the effect of missense changes on protein structure and function are either unavailable or do not agree on the potential impact of this missense change (SIFT: "Deleterious"; PolyPhen-2: "Probably Damaging"; Align-GVGD: "Class C0"). Algorithms developed to predict the effect of sequence changes on RNA splicing suggest that this variant may disrupt the consensus splice site. In summary, the available evidence is currently insufficient to determine the role of this variant in disease. Therefore, it has been classified as a Variant of Uncertain Significance.